The following is an entry in ClinVar:

ClinVar aggregate classification (germline): Uncertain significance (1 of 4 stars; one submission).

Conditions:
Cardiovascular phenotype. Identifiers: MedGen CN230736.

Allele frequency attached by ClinVar (database versions not stated): gnomAD exomes below 0.00001.

Submission:

Ambry Genetics
Classification: Uncertain significance for Cardiovascular phenotype. Last evaluated: 2020-10-06. Review status: criteria provided, single submitter. Criteria: Ambry Variant Classification Scheme 2023. Collection method: clinical testing. Allele origin: germline.
Comment: The c.5945_5950delACAAAA variant (also known as p.D1982_S1984delinsG) is located in coding exon 39 of the RYR2 gene. This variant results from an in-frame ACAAAA deletion at nucleotide positions 5945 to 5950. This results in the deletion of aspartic acid, lysine, and serine residues and the insertion of a glycine residue between codons 1982 and 1984. This amino acid region is well conserved in available vertebrate species. In addition, this alteration is predicted to be deleterious by in silico analysis (Choi Y et al. PLoS ONE. 2012; 7(10):e46688). Since supporting evidence is limited at this time, the clinical significance of this alteration remains unclear.

NM_001035.3(RYR2):c.5945_5950del (p.Asp1982_Ser1984delinsGly)

Gene: RYR2 (ryanodine receptor 2; plus strand). Cytogenetic location: 1q43.
Variant type: Deletion.
Coding change: c.5945_5950del on transcript NM_001035.3 (MANE Select); coding-DNA positions 5945 to 5950, 6 bases deleted (ACAAAA; older notation c.5945_5950delACAAAA).
Protein change: p.Asp1982_Ser1984delinsGly.
Molecular consequence: inframe indel.
Genome position (GRCh38, 1-based): chr1:237,623,793-237,623,798, ACAAAA deleted. VCF-style (leftmost placement, unchanged base first): chr1-237623792-GACAAAA-G. GRCh37 (hg19) VCF-style: chr1-237787092-GACAAAA-G.
Identifiers: ClinVar variation 1750638 (VCV001750638.2), dbSNP rs1559130398, ClinGen allele CA529551561.